The following is an entry in ClinVar:

NM_153460.4(IL17RC):c.1865A>G (p.Gln622Arg)

Gene: IL17RC (interleukin 17 receptor C; plus strand). Cytogenetic location: 3p25.3.
Variant type: single nucleotide variant.
Coding change: c.1865A>G on transcript NM_153460.4 (MANE Select); coding-DNA position 1865, A replaced by G.
Protein change: p.Gln622Arg; replaces glutamine 622 with arginine.
Molecular consequence: missense variant. On other transcripts: non-coding transcript variant (1).
Genome position (GRCh38, 1-based): chr3:9,933,295, A>G. VCF-style: chr3-9933295-A-G. GRCh37 (hg19) VCF-style: chr3-9974979-A-G.
Other names: c.1826A>G, p.Gln609Arg (NM_001203263.2); c.1775A>G, p.Gln592Arg (NM_001203264.2); c.1769A>G, p.Gln590Arg (NM_001203265.2); c.1787A>G, p.Gln596Arg (NM_001367278.1); c.1706A>G, p.Gln569Arg (NM_001367279.1); c.1781A>G, p.Gln594Arg (NM_001367280.1); c.1730A>G, p.Gln577Arg (NM_001410711.1); c.1820A>G, p.Gln607Arg (NM_032732.6); and 1 more; short protein forms Q590R, Q594R, Q607R, Q577R, Q592R, Q596R, Q693R, Q569R.
Identifiers: ClinVar variation 3642192 (VCV003642192.2).

ClinVar aggregate classification (germline): Uncertain significance (1 of 4 stars; one submission).

Conditions:
Candidiasis, familial, 9 (CANDF9). Identifiers: Orphanet 1334, MedGen C4225324, MONDO:0014642, OMIM 616445.

gnomAD v4.1: 1 of 1,604,182 alleles (0.000062%); highest among the groups gnomAD compares: South Asian, 0.0011%; no homozygotes.

Submission:

Labcorp Genetics (formerly Invitae), Labcorp
Classification: Uncertain significance for Candidiasis, familial, 9. Last evaluated: 2024-04-19. Review status: criteria provided, single submitter. Criteria: Invitae Variant Classification Sherloc (09022015). Collection method: clinical testing. Allele origin: germline.
Comment: This sequence change replaces glutamine, which is neutral and polar, with arginine, which is basic and polar, at codon 693 of the IL17RC protein (p.Gln693Arg). This variant is not present in population databases (gnomAD no frequency). This variant has not been reported in the literature in individuals affected with IL17RC-related conditions. An algorithm developed to predict the effect of missense changes on protein structure and function (PolyPhen-2) suggests that this variant is likely to be disruptive. In summary, the available evidence is currently insufficient to determine the role of this variant in disease. Therefore, it has been classified as a Variant of Uncertain Significance.